The following is an entry in ClinVar:

NC_012920.1(MT-CO3):m.9756T>G

Gene: MT-CO3 (mitochondrially encoded cytochrome c oxidase III; plus strand).
Variant type: single nucleotide variant.
Genome position: chrM-9756-T-G.
Identifiers: ClinVar variation 693221 (VCV000693221.1), dbSNP rs1603222480, ClinGen allele CA414803643.
Genomic context (GRCh38, chrMT:9,756, plus strand): 5'-CTTATTACAATTTTACTGGGTCTCTATTTTACCCTCCTACAAGCCTCAGAGTACTTCGAG[T>G]CTCCCTTCACCATTTCCGACGGCATCTACGGCTCAACATTTTTTGTAGCCACAGGCTTCC-3'

ClinVar aggregate classification (germline): Benign (1 of 4 stars; one submission).

Conditions:
Leigh syndrome (NULS). Also called: Leigh's necrotizing encephalopathy; Leigh's disease; Leigh Syndrome (mtDNA deletion); Leigh Disease; Subacute necrotizing encephalopathy; Necrotizing encephalopathy infantile subacute of Leigh. Identifiers: Orphanet 506, MedGen C2931891, MONDO:0009723, OMIM 256000.

Submission:

Wong Mito Lab, Molecular and Human Genetics, Baylor College of Medicine
Classification: Benign for Leigh syndrome. Last evaluated: 2019-10-17. Review status: criteria provided, single submitter. Criteria: Modified ACMG Guidelines (Unpublished). Collection method: clinical testing. Allele origin: germline.
Comment: The NC_012920.1:m.9756T>G (YP_003024032.1:p.Ser184Ala) variant in MTCO3 gene is interpretated to be a Benign variant based on the modified ACMG guidelines (unpublished). This variant meets the following evidence codes: BS1, BS2, BP4